The following is an entry in ClinVar:

ClinVar aggregate classification (germline): Uncertain significance (1 of 4 stars; one submission).

Conditions:
Ehlers-Danlos syndrome, classic type, 1 (EDSCL1). Also called: EHLERS-DANLOS SYNDROME, GRAVIS TYPE; EHLERS-DANLOS SYNDROME, SEVERE CLASSIC TYPE; Ehlers-Danlos syndrome, type 1; Ehlers-Danlos Syndrome, Classic Type, COL5A1-Related; EDS I. Identifiers: MedGen C0268335, MONDO:0019567, OMIM 130000.

Allele frequency attached by ClinVar (database versions not stated): gnomAD exomes below 0.00001.
gnomAD v4.1: 1 of 1,614,048 alleles (0.000062%); highest among the groups gnomAD compares: East Asian, 0.0022%; no homozygotes.

Submission:

Labcorp Genetics (formerly Invitae), Labcorp
Classification: Uncertain significance for Ehlers-Danlos syndrome, classic type, 1. Last evaluated: 2023-04-16. Review status: criteria provided, single submitter. Criteria: Invitae Variant Classification Sherloc (09022015). Collection method: clinical testing. Allele origin: germline.
Comment: In summary, the available evidence is currently insufficient to determine the role of this variant in disease. Therefore, it has been classified as a Variant of Uncertain Significance. Advanced modeling of protein sequence and biophysical properties (such as structural, functional, and spatial information, amino acid conservation, physicochemical variation, residue mobility, and thermodynamic stability) performed at Invitae indicates that this missense variant is not expected to disrupt COL5A1 protein function. This variant has not been reported in the literature in individuals affected with COL5A1-related conditions. This variant is not present in population databases (gnomAD no frequency). This sequence change replaces cysteine, which is neutral and slightly polar, with arginine, which is basic and polar, at codon 244 of the COL5A1 protein (p.Cys244Arg).

NM_000093.5(COL5A1):c.730T>C (p.Cys244Arg)

Gene: COL5A1 (collagen type V alpha 1 chain; plus strand). Cytogenetic location: 9q34.3.
Variant type: single nucleotide variant.
Coding change: c.730T>C on transcript NM_000093.5 (MANE Select); coding-DNA position 730, T replaced by C.
Protein change: p.Cys244Arg; replaces cysteine 244 with arginine.
Molecular consequence: missense variant.
Genome position (GRCh38, 1-based): chr9:134,727,341, T>C. VCF-style: chr9-134727341-T-C. GRCh37 (hg19) VCF-style: chr9-137619187-T-C.
Other names: c.730T>C, p.Cys244Arg (NM_001278074.1); short protein forms C244R.
Identifiers: ClinVar variation 2854727 (VCV002854727.3), dbSNP rs2490487420, ClinGen allele CA375446371.